The following is an entry in ClinVar:

ClinVar aggregate classification (germline): Conflicting classifications of pathogenicity. Review status: criteria provided, conflicting classifications (1 of 4 stars). 20 submissions from 20 submitters: Uncertain significance (1); Benign (8); Likely benign (10). 1 of the submissions does not count toward it. Last evaluated 2026-03-01.

Conditions:
Breast and/or ovarian cancer. Identifiers: MedGen CN221562.
Hereditary cancer-predisposing syndrome. Also called: Tumor predisposition; Hereditary neoplastic syndrome; Hereditary Cancer Syndrome; Neoplastic Syndromes, Hereditary. Identifiers: Orphanet 140162, MedGen C0027672, MeSH D009386, MONDO:0015356.
Peutz-Jeghers syndrome (PJS). Also called: Peutz-Jeghers polyposis; Periorificial lentiginosis syndrome; POLYPOSIS, HAMARTOMATOUS INTESTINAL; POLYPS-AND-SPOTS SYNDROME. Identifiers: Orphanet 2869, MedGen C0031269, MeSH D010580, MONDO:0008280, OMIM 175200.

Allele frequency attached by ClinVar (database versions not stated): ESP Exome Variant Server 0.00008; gnomAD 0.00011 and 0.00012; TOPMed 0.00015; gnomAD exomes 0.00021; ExAC 0.00030.

Submissions (20):

CeGaT Center for Human Genetics Tuebingen
Classification: Likely benign. Last evaluated: 2026-03-01. Review status: criteria provided, single submitter. Criteria: CeGaT Center For Human Genetics Tuebingen Variant Classification Criteria Version 2. Collection method: clinical testing. Allele origin: germline. Affected: yes. Observed: 7 variant alleles.
Comment: STK11: BP4, BP7

Labcorp Genetics (formerly Invitae), Labcorp
Classification: Benign for Peutz-Jeghers syndrome. Last evaluated: 2026-01-28. Review status: criteria provided, single submitter. Criteria: Invitae Variant Classification Sherloc (09022015). Collection method: clinical testing. Allele origin: germline.

Myriad Genetics, Inc.
Classification: Benign for Peutz-Jeghers syndrome. Last evaluated: 2025-03-27. Review status: criteria provided, single submitter. Criteria: Myriad Autosomal Dominant, Autosomal Recessive and X-Linked Classification Criteria (2023). Collection method: clinical testing. Allele origin: unknown.
Comment: This variant is considered benign. This variant is a silent/synonymous amino acid change and it is not expected to impact splicing.

Center for Genomic Medicine, Rigshospitalet, Copenhagen University Hospital
Classification: Likely benign. Last evaluated: 2025-03-04. Review status: criteria provided, single submitter. Criteria: ACMG Guidelines, 2015. Collection method: clinical testing. Allele origin: germline.

Blueprint Genetics
Classification: Likely benign. Last evaluated: 2024-09-24. Review status: criteria provided, single submitter. Criteria: ACMG Guidelines, 2015. Collection method: clinical testing. Allele origin: germline.

All of Us Research Program, National Institutes of Health
Classification: Likely benign for Peutz-Jeghers syndrome. Last evaluated: 2024-01-11. Review status: criteria provided, single submitter. Criteria: ACMG Guidelines, 2015. Collection method: clinical testing. Allele origin: germline. Inheritance: Autosomal dominant inheritance. Observed: 47 variant alleles, 47 heterozygotes.
Comment: This study involves interpretation of variants in research participants for the purpose of population health screening. Participant phenotype was not available at the time of variant classification. Additional details can be found in publication PMID: 35346344, PMCID: PMC8962531

Institute for Biomarker Research, Medical Diagnostic Laboratories, L.L.C.
Classification: Likely benign for Hereditary cancer-predisposing syndrome. Last evaluated: 2023-08-22. Review status: criteria provided, single submitter. Criteria: ACMG Guidelines, 2015. Collection method: clinical testing. Allele origin: germline.

Quest Diagnostics Nichols Institute San Juan Capistrano
Classification: Benign. Last evaluated: 2022-06-29. Review status: criteria provided, single submitter. Criteria: Quest Diagnostics criteria. Collection method: clinical testing. Allele origin: unknown.

Genome-Nilou Lab
Classification: Likely benign for Peutz-Jeghers syndrome. Last evaluated: 2021-07-15. Review status: criteria provided, single submitter. Criteria: ACMG Guidelines, 2015. Collection method: clinical testing. Allele origin: germline. Affected: no.

Sema4
Classification: Benign for Hereditary cancer-predisposing syndrome. Last evaluated: 2021-06-14. Review status: criteria provided, single submitter. Criteria: Sema4 Curation Guidelines. Collection method: curation. Allele origin: germline.

CHEO Genetics Diagnostic Laboratory, Children's Hospital of Eastern Ontario
Classification: Likely benign for Breast and/or ovarian cancer. Last evaluated: 2021-06-09. Review status: criteria provided, single submitter. Criteria: ACMG Guidelines, 2015. Collection method: clinical testing. Allele origin: germline.

Women's Health and Genetics/Laboratory Corporation of America, LabCorp
Classification: Benign. Last evaluated: 2020-09-26. Review status: criteria provided, single submitter. Criteria: LabCorp Variant Classification Summary - May 2015. Collection method: clinical testing. Allele origin: germline.

Mendelics
Classification: Likely benign for Peutz-Jeghers syndrome. Last evaluated: 2019-05-28. Review status: criteria provided, single submitter. Criteria: Mendelics Assertion Criteria 2017. Collection method: clinical testing. Allele origin: unknown.

ARUP Laboratories, Molecular Genetics and Genomics, ARUP Laboratories
Classification: Benign. Last evaluated: 2019-01-30. Review status: criteria provided, single submitter. Criteria: ARUP Molecular Germline Variant Investigation Process. Collection method: clinical testing. Allele origin: germline.

Eurofins Ntd Llc (ga)
Classification: Likely benign. Last evaluated: 2018-01-30. Review status: criteria provided, single submitter. Criteria: EGL Classification Definitions 2015. Collection method: clinical testing. Allele origin: germline. Observed: 1 variant allele, 1 heterozygote.

Illumina Laboratory Services, Illumina
Classification: Uncertain significance for Peutz-Jeghers syndrome. Last evaluated: 2018-01-12. Review status: criteria provided, single submitter. Criteria: ICSL Variant Classification Criteria 13 December 2019. Collection method: clinical testing. Allele origin: germline.

Ambry Genetics
Classification: Benign for Hereditary cancer-predisposing syndrome. Last evaluated: 2016-06-27. Review status: criteria provided, single submitter. Criteria: Ambry Variant Classification Scheme 2023. Collection method: clinical testing. Allele origin: germline.

Color Diagnostics, LLC DBA Color Health
Classification: Likely benign for Hereditary cancer-predisposing syndrome. Last evaluated: 2015-08-05. Review status: criteria provided, single submitter. Criteria: ACMG Guidelines, 2015. Collection method: clinical testing. Allele origin: germline.

GeneDx
Classification: Benign. Last evaluated: 2013-12-31. Review status: criteria provided, single submitter. Criteria: GeneDx Variant Classification (06012015). Collection method: clinical testing. Allele origin: germline. Affected: yes.
Comment: This variant is considered likely benign or benign based on one or more of the following criteria: it is a conservative change, it occurs at a poorly conserved position in the protein, it is predicted to be benign by multiple in silico algorithms, and/or has population frequency not consistent with disease.

Department of Pathology and Laboratory Medicine, Sinai Health System
Classification: Likely benign. Review status: no assertion criteria provided. Collection method: clinical testing. Allele origin: unknown. Affected: yes. Study: The Canadian Open Genetics Repository (COGR). Not counted in ClinVar's aggregate classification.
Comment: The STK11 p.Pro275= variant was not identified in the literature nor was it identified in the following databases: Cosmic, MutDB, LOVD 3.0, Zhejiang Colon Cancer Database, Insight Hereditary Tumors Database. The variant was identified in dbSNP (ID: rs202011521) as â€šÃ„ÃºWith other alleleâ€šÃ„Ã¹, ClinVar (as benign by GeneDx, Ambry Genetics, and Invitae, as likely benign by Quest Diagnostics and Color Genomics, and as uncertain significance by Ilumina), and Clinvitae (with conflicting interpretations of pathogenicity). The variant was identified in control databases in 53 of 271464 chromosomes at a frequency of 0.000195 (Genome Aggregation Database Feb 27, 2017). It was observed in the following populations: African in 2 of 23358 chromosomes (freq: 0.000086), Other in 3 of 6346 chromosomes (freq: 0.000473), Latino in 8 of 33978 chromosomes (freq: 0.000235), European (Non-Finnish) in 13 of 123704 chromosomes (freq: 0.000105), Ashkenazi Jewish in 27 of 9978 chromosomes (freq: 0.002706); it was not observed in the East Asian, European (Finnish), and South Asian populations. The variant occurs outside of the splicing consensus sequence and 2 of 5 in silico or computational prediction software programs (SpliceSiteFinder, MaxEntScan, NNSPLICE, GeneSplicer, HumanSpliceFinder) predict a greater than 10% difference in splicing with a possible creation of a cryptic splice site; this is not very predictive of pathogenicity. The p.Pro275= variant is not expected to have clinical significance because it does not result in a change of amino acid and is not located in a known consensus splice site. In summary, based on the above information the clinical significance of this variant cannot be determined with certainty at this time although we would lean towards a more benign role for this variant. This variant is classified as likely benign.

NM_000455.5(STK11):c.825G>A (p.Pro275=)

Gene: STK11 (serine/threonine kinase 11; plus strand). Cytogenetic location: 19p13.3.
Variant type: single nucleotide variant.
Coding change: c.825G>A on transcript NM_000455.5 (MANE Select); coding-DNA position 825, G replaced by A.
Protein change: p.Pro275=; no amino-acid change (proline 275 retained).
Molecular consequence: synonymous variant.
Genome position (GRCh38, 1-based): chr19:1,221,303, G>A. VCF-style: chr19-1221303-G-A. GRCh37 (hg19) VCF-style: chr19-1221302-G-A.
Other names: p.P275P:CCG>CCA.
Identifiers: ClinVar variation 139336 (VCV000139336.79), dbSNP rs202011521, ClinGen allele CA023286.